The following is an entry in ClinVar:

ClinVar aggregate classification (germline): Uncertain significance (1 of 4 stars; one submission).

Allele frequency attached by ClinVar (database versions not stated): gnomAD 0.00001; TOPMed 0.00001; ExAC 0.00005.
gnomAD v4.1: 20 of 1,564,466 alleles (0.0013%); highest among the groups gnomAD compares: Non-Finnish European, 0.0017%; no homozygotes.

Submission:

Labcorp Genetics (formerly Invitae), Labcorp
Classification: Uncertain significance. Last evaluated: 2022-04-08. Review status: criteria provided, single submitter. Criteria: Invitae Variant Classification Sherloc (09022015). Collection method: clinical testing. Allele origin: germline.
Comment: In summary, the available evidence is currently insufficient to determine the role of this variant in disease. Therefore, it has been classified as a Variant of Uncertain Significance. Algorithms developed to predict the effect of missense changes on protein structure and function are either unavailable or do not agree on the potential impact of this missense change (SIFT: "Deleterious"; PolyPhen-2: "Probably Damaging"; Align-GVGD: "Class C0"). This variant has not been reported in the literature in individuals affected with CCDC88A-related conditions. This variant is present in population databases (rs756672489, gnomAD 0.005%). This sequence change replaces arginine, which is basic and polar, with threonine, which is neutral and polar, at codon 1009 of the CCDC88A protein (p.Arg1009Thr).

NM_001365480.1(CCDC88A):c.3029G>C (p.Arg1010Thr)

Gene: CCDC88A (coiled-coil and HOOK domain protein 88A; minus strand). Cytogenetic location: 2p16.1.
Variant type: single nucleotide variant.
Coding change: c.3029G>C on transcript NM_001365480.1 (MANE Select); coding-DNA position 3029, G replaced by C.
Protein change: p.Arg1010Thr; replaces arginine 1010 with threonine.
Molecular consequence: missense variant.
Genome position (GRCh38, 1-based): chr2:55,322,661, C>G on the plus strand (G>C on the coding strand, the complement: CCDC88A is on the minus strand). VCF-style: chr2-55322661-C-G. GRCh37 (hg19) VCF-style: chr2-55549797-C-G.
Other names: c.3026G>C, p.Arg1009Thr (NM_001135597.2, NM_001254943.2); c.3029G>C, p.Arg1010Thr (NM_018084.5); short protein forms R1010T, R1009T.
Identifiers: ClinVar variation 1903654 (VCV001903654.5), dbSNP rs756672489, ClinGen allele CA1665855.